The following is an entry in ClinVar:

NM_001308093.3(GATA4):c.994C>G (p.Pro332Ala)

Gene: GATA4 (GATA binding protein 4). Cytogenetic location: 8p23.1.
Variant type: single nucleotide variant.
Coding change: c.994C>G on transcript NM_001308093.3 (MANE Select); coding-DNA position 994, C replaced by G.
Protein change: p.Pro332Ala; replaces proline 332 with alanine.
Molecular consequence: missense variant.
Genome position (GRCh38, 1-based): chr8:11,755,127, C>G. VCF-style: chr8-11755127-C-G. GRCh37 (hg19) VCF-style: chr8-11612636-C-G.
Other names: c.373C>G, p.Pro125Ala (NM_001308094.2, NM_001374273.1); c.247C>G, p.Pro83Ala (NM_001374274.1); c.991C>G, p.Pro331Ala (NM_002052.5); short protein forms P331A, P125A, P332A, P83A.
Identifiers: ClinVar variation 429356 (VCV000429356.4), dbSNP rs768967856, ClinGen allele CA370314579.

ClinVar aggregate classification (germline): Uncertain significance. Review status: criteria provided, multiple submitters, no conflicts (2 of 4 stars). 3 submissions from 3 submitters: Uncertain significance (3). Last evaluated 2025-09-04.

Conditions:
Cardiovascular phenotype. Identifiers: MedGen CN230736.
Atrioventricular septal defect 4 (AVSD4). Identifiers: MedGen C3280781, MONDO:0013747, OMIM 614430.

gnomAD v4.1: 8 of 1,612,268 alleles (0.0005%); highest among the groups gnomAD compares: South Asian, 0.0055%; no homozygotes.

Submissions (3):

Ambry Genetics
Classification: Uncertain significance for Cardiovascular phenotype. Last evaluated: 2025-09-04. Review status: criteria provided, single submitter. Criteria: Ambry Variant Classification Scheme 2023. Collection method: clinical testing. Allele origin: germline.
Comment: The p.P331A variant (also known as c.991C>G), located in coding exon 4 of the GATA4 gene, results from a C to G substitution at nucleotide position 991. The proline at codon 331 is replaced by alanine, an amino acid with highly similar properties. This amino acid position is conserved. In addition, the in silico prediction for this alteration is inconclusive. Based on the available evidence, the clinical significance of this variant remains unclear.

Labcorp Genetics (formerly Invitae), Labcorp
Classification: Uncertain significance for Atrioventricular septal defect 4. Last evaluated: 2025-04-08. Review status: criteria provided, single submitter. Criteria: Invitae Variant Classification Sherloc (09022015). Collection method: clinical testing. Allele origin: germline.
Comment: This sequence change replaces proline, which is neutral and non-polar, with alanine, which is neutral and non-polar, at codon 331 of the GATA4 protein (p.Pro331Ala). This variant is present in population databases (no rsID available, gnomAD 0.007%). This variant has not been reported in the literature in individuals affected with GATA4-related conditions. ClinVar contains an entry for this variant (Variation ID: 429356). Invitae Evidence Modeling of protein sequence and biophysical properties (such as structural, functional, and spatial information, amino acid conservation, physicochemical variation, residue mobility, and thermodynamic stability) indicates that this missense variant is not expected to disrupt GATA4 protein function with a negative predictive value of 95%. In summary, the available evidence is currently insufficient to determine the role of this variant in disease. Therefore, it has been classified as a Variant of Uncertain Significance.

GeneDx
Classification: Uncertain significance. Last evaluated: 2017-05-08. Review status: criteria provided, single submitter. Criteria: GeneDx Variant Classification (06012015). Collection method: clinical testing. Allele origin: germline. Affected: yes.
Comment: The P331A variant in the GATA4 gene has not been reported previously as a pathogenic variant, nor as a benign variant, to our knowledge. The P331A variant is not observed in large population cohorts (Lek et al., 2016; 1000 Genomes Consortium et al., 2015; Exome Variant Server). The P331A variant is a semi-conservative amino acid substitution, which occurs at a position that is not conserved. In silico analysis is inconsistent in its predictions as to whether or not the variant is damaging to the protein structure/function. We interpret P331A as a variant of uncertain significance